The following is an entry in ClinVar:

NM_003900.5(SQSTM1):c.241G>C (p.Glu81Gln)

Gene: SQSTM1 (sequestosome 1; plus strand). Cytogenetic location: 5q35.3.
Variant type: single nucleotide variant.
Coding change: c.241G>C on transcript NM_003900.5 (MANE Select); coding-DNA position 241, G replaced by C.
Protein change: p.Glu81Gln; replaces glutamic acid 81 with glutamine.
Molecular consequence: missense variant. On other transcripts: 5 prime UTR variant (2).
Genome position (GRCh38, 1-based): chr5:179,822,993, G>C. VCF-style: chr5-179822993-G-C. GRCh37 (hg19) VCF-style: chr5-179249993-G-C.
Other names: c.-12G>C (NM_001142298.2, NM_001142299.2); short protein forms E81Q.
Identifiers: ClinVar variation 4535118 (VCV004535118.6).

ClinVar aggregate classification (germline): Uncertain significance (1 of 4 stars; one submission).

gnomAD v4.1: 1 of 1,614,058 alleles (0.000062%); highest among the groups gnomAD compares: Admixed American, 0.0017%; no homozygotes.

Submission:

CeGaT Center for Human Genetics Tuebingen
Classification: Uncertain significance. Last evaluated: 2025-10-01. Review status: criteria provided, single submitter. Criteria: CeGaT Center For Human Genetics Tuebingen Variant Classification Criteria Version 2. Collection method: clinical testing. Allele origin: germline. Affected: yes. Observed: 1 variant allele.
Comment: SQSTM1: PM5